The following is an entry in ClinVar:

ClinVar aggregate classification (germline): Conflicting classifications of pathogenicity. Review status: criteria provided, conflicting classifications (1 of 4 stars). 2 submissions from 2 submitters: Uncertain significance (1); Likely benign (1). Last evaluated 2026-06-09.

Conditions:
Inborn genetic diseases. Identifiers: MedGen C0950123, MeSH D030342.

gnomAD v4.1: 29 of 1,573,684 alleles (0.0018%); highest among the groups gnomAD compares: Non-Finnish European, 0.0025%; no homozygotes.

Submissions (2):

Ambry Genetics
Classification: Uncertain significance for Inborn genetic diseases. Last evaluated: 2026-06-09. Review status: criteria provided, single submitter. Criteria: Ambry Variant Classification Scheme 2023. Collection method: clinical testing. Allele origin: germline.
Comment: The c.1265T>A (p.L422Q) alteration is located in exon 6 (coding exon 1) of the AHDC1 gene. This alteration results from a T to A substitution at nucleotide position 1265, causing the leucine (L) at amino acid position 422 to be replaced by a glutamine (Q). Based on data from gnomAD, the A allele has an overall frequency of 0.003% (1/31350) total alleles studied. The highest observed frequency was 0.007% (1/15408) of European (non-Finnish) alleles. Based on insufficient or conflicting evidence, the clinical significance of this alteration remains unclear.

Labcorp Genetics (formerly Invitae), Labcorp
Classification: Likely benign. Last evaluated: 2025-03-31. Review status: criteria provided, single submitter. Criteria: Invitae Variant Classification Sherloc (09022015). Collection method: clinical testing. Allele origin: germline.

NM_001371928.1(AHDC1):c.1265T>A (p.Leu422Gln)

Gene: AHDC1 (AT-hook DNA binding motif containing 1; minus strand). Cytogenetic location: 1p36.11.
Variant type: single nucleotide variant.
Coding change: c.1265T>A on transcript NM_001371928.1 (MANE Select); coding-DNA position 1265, T replaced by A.
Protein change: p.Leu422Gln; replaces leucine 422 with glutamine.
Molecular consequence: missense variant.
Genome position (GRCh38, 1-based): chr1:27,550,851, A>T on the plus strand (T>A on the coding strand, the complement: AHDC1 is on the minus strand). VCF-style: chr1-27550851-A-T. GRCh37 (hg19) VCF-style: chr1-27877362-A-T.
Other names: c.1265T>A (NM_001029882.2); c.1265T>A, p.Leu422Gln (NM_001029882.3); short protein forms L422Q.
Identifiers: ClinVar variation 4777963 (VCV004777963.2).